The following is an entry in ClinVar:

NM_001103.4(ACTN2):c.1943C>A (p.Ala648Asp)

Gene: ACTN2 (actinin alpha 2; plus strand). Cytogenetic location: 1q43.
Variant type: single nucleotide variant.
Coding change: c.1943C>A on transcript NM_001103.4 (MANE Select); coding-DNA position 1943, C replaced by A.
Protein change: p.Ala648Asp; replaces alanine 648 with aspartic acid.
Molecular consequence: missense variant. On other transcripts: non-coding transcript variant (1).
Genome position (GRCh38, 1-based): chr1:236,754,050, C>A. VCF-style: chr1-236754050-C-A. GRCh37 (hg19) VCF-style: chr1-236917350-C-A.
Other names: c.1943C>A, p.Ala648Asp (NM_001278343.2); short protein forms A648D.
Identifiers: ClinVar variation 3758486 (VCV003758486.2).
Genomic context (GRCh38, chr1:236,754,050, plus strand): 5'-AGCTGGCTCGCCAGCATGCTAACGAGCGTCTGAGGCGCCAGTTTGCTGCCCAAGCCAATG[C>A]CATTGGGCCCTGGATCCAGAACAAGATGGAGGTAAGCCAGCGCCCTCCCAGGCGCTGTTC-3'
Protein context (NP_001094.1, residues 638-658): LRRQFAAQAN[Ala648Asp]IGPWIQNKME

ClinVar aggregate classification (germline): Uncertain significance (1 of 4 stars; one submission).

Conditions:
Primary familial hypertrophic cardiomyopathy (HCM). Identifiers: Orphanet 99739, MedGen C0949658, MeSH D024741, MONDO:0024573. Inheritance: Various modes of inheritance.
Dilated cardiomyopathy 1AA (CMD1AA). Also called: CARDIOMYOPATHY, DILATED, 1AA, WITH OR WITHOUT LEFT VENTRICULAR NONCOMPACTION; CARDIOMYOPATHY, FAMILIAL HYPERTROPHIC, 23, WITH OR WITHOUT LEFT VENTRICULAR NONCOMPACTION; Cardiomyopathy, dilated, 1AA, with or without LVNC. Identifiers: Orphanet 154, MedGen C2677338, MONDO:0012808, OMIM 612158.

gnomAD v4.1: 1 of 1,614,150 alleles (0.000062%); highest among the groups gnomAD compares: Non-Finnish European, 0.000085%; no homozygotes.

Submission:

Labcorp Genetics (formerly Invitae), Labcorp
Classification: Uncertain significance for Primary familial hypertrophic cardiomyopathy; Dilated cardiomyopathy 1AA. Last evaluated: 2024-05-15. Review status: criteria provided, single submitter. Criteria: Invitae Variant Classification Sherloc (09022015). Collection method: clinical testing. Allele origin: germline.
Comment: This sequence change replaces alanine, which is neutral and non-polar, with aspartic acid, which is acidic and polar, at codon 648 of the ACTN2 protein (p.Ala648Asp). This variant is present in population databases (no rsID available, gnomAD 0.002%). This variant has not been reported in the literature in individuals affected with ACTN2-related conditions. Advanced modeling of protein sequence and biophysical properties (such as structural, functional, and spatial information, amino acid conservation, physicochemical variation, residue mobility, and thermodynamic stability) performed at Invitae indicates that this missense variant is not expected to disrupt ACTN2 protein function with a negative predictive value of 80%. In summary, the available evidence is currently insufficient to determine the role of this variant in disease. Therefore, it has been classified as a Variant of Uncertain Significance.